The following is an entry in ClinVar:

ClinVar aggregate classification (germline): Uncertain significance (1 of 4 stars; one submission).

Conditions:
Hereditary pancreatitis (PCTT). Also called: Hereditary chronic pancreatitis; PRSS1-Related Hereditary Pancreatitis. Identifiers: Orphanet 676, MedGen C0238339, MONDO:0008185, OMIM 167800.

Allele frequency attached by ClinVar (database versions not stated): TOPMed 0.00001.

Submission:

Ambry Genetics
Classification: Uncertain significance for Hereditary pancreatitis. Last evaluated: 2025-05-25. Review status: criteria provided, single submitter. Criteria: Ambry Variant Classification Scheme 2023. Collection method: clinical testing. Allele origin: germline.
Comment: The p.G103V variant (also known as c.308G>T), located in coding exon 4 of the CTRC gene, results from a G to T substitution at nucleotide position 308. The glycine at codon 103 is replaced by valine, an amino acid with dissimilar properties. This amino acid position is conserved. In addition, this alteration is predicted to be tolerated by in silico analysis. Since supporting evidence is limited at this time, the clinical significance of this alteration remains unclear.

NM_007272.3(CTRC):c.308G>T (p.Gly103Val)

Gene: CTRC (chymotrypsin C; plus strand). Cytogenetic location: 1p36.21.
Variant type: single nucleotide variant.
Coding change: c.308G>T on transcript NM_007272.3 (MANE Select); coding-DNA position 308, G replaced by T.
Protein change: p.Gly103Val; replaces glycine 103 with valine.
Molecular consequence: missense variant.
Genome position (GRCh38, 1-based): chr1:15,442,524, G>T. VCF-style: chr1-15442524-G-T. GRCh37 (hg19) VCF-style: chr1-15769020-G-T.
Other names: short protein forms G103V.
Identifiers: ClinVar variation 2564426 (VCV002564426.3), dbSNP rs1708151288, ClinGen allele CA338565514.